The following is an entry in ClinVar:

ClinVar aggregate classification (germline): Uncertain significance (1 of 4 stars; one submission).

Conditions:
Hereditary sensory and autonomic neuropathy type 6. Also called: Neuropathy, hereditary sensory and autonomic, type VI; HSAN VI. Identifiers: Orphanet 314381, MedGen C3539003, MONDO:0013839, OMIM 614653.
Epidermolysis bullosa simplex 3, localized or generalized intermediate, with BP230 deficiency (EBS3). Also called: Epidermolysis bullosa simplex, autosomal recessive 2; Epidermolysis bullosa simplex due to BP230 deficiency. Identifiers: Orphanet 412181, MedGen C3809470, MONDO:0014180, OMIM 615425.

Allele frequency attached by ClinVar (database versions not stated): gnomAD exomes 0.00001.
gnomAD v4.1: 3 of 1,614,136 alleles (0.00019%); highest among the groups gnomAD compares: Non-Finnish European, 0.00025%; no homozygotes.

Submission:

Labcorp Genetics (formerly Invitae), Labcorp
Classification: Uncertain significance for Epidermolysis bullosa simplex 3, localized or generalized intermediate, with BP230 deficiency; Hereditary sensory and autonomic neuropathy type 6. Last evaluated: 2021-08-30. Review status: criteria provided, single submitter. Criteria: Invitae Variant Classification Sherloc (09022015). Collection method: clinical testing. Allele origin: germline.
Comment: This sequence change replaces glutamic acid with alanine at codon 2557 of the DST protein (p.Glu2557Ala). The glutamic acid residue is weakly conserved and there is a moderate physicochemical difference between glutamic acid and alanine. This variant is not present in population databases (ExAC no frequency). This variant has not been reported in the literature in individuals affected with DST-related conditions. Algorithms developed to predict the effect of missense changes on protein structure and function (SIFT, PolyPhen-2, Align-GVGD) all suggest that this variant is likely to be disruptive. In summary, the available evidence is currently insufficient to determine the role of this variant in disease. Therefore, it has been classified as a Variant of Uncertain Significance.

NM_001723.7(DST):c.7670A>C (p.Glu2557Ala)

Gene: DST (dystonin; minus strand). Cytogenetic location: 6p12.1.
Variant type: single nucleotide variant.
Coding change: c.7670A>C on transcript NM_001723.7 (MANE Plus Clinical); coding-DNA position 7670, A replaced by C.
Protein change: p.Glu2557Ala; replaces glutamic acid 2557 with alanine.
Molecular consequence: missense variant. On other transcripts: intron variant (10).
Genome position (GRCh38, 1-based): chr6:56,615,797, T>G on the plus strand (A>C on the coding strand, the complement: DST is on the minus strand). VCF-style: chr6-56615797-T-G. GRCh37 (hg19) VCF-style: chr6-56480595-T-G.
Other names: c.4831-1313A>C (NM_001144769.5); c.4930-1313A>C (NM_001374722.1, NM_001374736.1); c.4957-1313A>C (NM_001374734.1); c.4417-1313A>C (NM_001144770.2); c.4297-1313A>C (NM_001374730.1, NM_001386100.1, NM_183380.4 and 1 more transcripts); c.3319-1313A>C (NM_015548.5); short protein forms E2557A.
Identifiers: ClinVar variation 1036805 (VCV001036805.6), dbSNP rs2098608632, ClinGen allele CA364562501.